The following is an entry in ClinVar:

NM_005633.4(SOS1):c.3391+3_3391+6del

Gene: SOS1 (SOS Ras/Rac guanine nucleotide exchange factor 1; minus strand). Cytogenetic location: 2p22.1.
Variant type: Deletion.
Coding change: c.3391+3_3391+6del on transcript NM_005633.4 (MANE Select); bases 3 to 6 of the intron after coding-DNA position 3391, 4 bases deleted (TAGT; older notation c.3391+3_3391+6delTAGT).
Molecular consequence: splice donor variant. On other transcripts: intron variant (1).
Genome position (GRCh38, 1-based): chr2:38,989,264-38,989,267, ACTA deleted on the plus strand (TAGT on the coding strand, the reverse complement: SOS1 is on the minus strand); deleting any 4 consecutive bases within chr2:38,989,264-38,989,270 gives the same sequence; the c. name uses the placement nearest the transcript's 3' end. VCF-style (leftmost placement, unchanged base first): chr2-38989263-TACTA-T. GRCh37 (hg19) VCF-style: chr2-39216404-TACTA-T.
Other names: c.3370+3_3370+6del (NM_001382394.1); c.3347-1676_3347-1673del (NM_001382395.1); c.3391+3_3391+6delTAGT (NM_005633.3).
Identifiers: ClinVar variation 633001 (VCV000633001.16), dbSNP rs756201866, ClinGen allele CA1624197.
Genomic context (GRCh38, chr2:38,989,263, plus strand): 5'-AGGTTACACTTGGTTTGATTTTTAAAGCCAAAGCAAGAATTATGAGTCTTAAACCAAATA[TACTA>T]ACTTGGGCCATGGGGCAGAGTAACTTGGATAAAGACGGTATCATTGCCTGTGAAAGGAAA-3'

ClinVar aggregate classification (germline): Uncertain significance. Review status: criteria provided, multiple submitters, no conflicts (2 of 4 stars). 7 submissions from 6 submitters: Uncertain significance (7). Last evaluated 2026-09-18.

Conditions:
Noonan syndrome 4 (NS4). Also called: SOS1-Related Noonan Syndrome; NOONAN SYNDROME WITH PIGMENTED VILLONODULAR SYNOVITIS. Identifiers: Orphanet 648, MedGen C1853120, MONDO:0012547, OMIM 610733.
Fibromatosis, gingival, 1 (GINGF1). Identifiers: Orphanet 2024, MedGen C4551558, MONDO:0007609, OMIM 135300.
Cardiovascular phenotype. Identifiers: MedGen CN230736.
RASopathy. Also called: Noonan spectrum disorder; rasopathies. Identifiers: Orphanet 536391, MedGen C5555857, MONDO:0021060.

Submissions (7):

GeneDx
Classification: Uncertain significance. Last evaluated: 2026-09-18. Review status: criteria provided, single submitter. Criteria: GeneDx Variant Classification Process June 2021. Collection method: clinical testing. Allele origin: germline.
Comment: In silico analysis supports a deleterious effect on splicing; Has not been previously published as pathogenic or benign to our knowledge

Labcorp Genetics (formerly Invitae), Labcorp
Classification: Uncertain significance for RASopathy. Last evaluated: 2026-01-31. Review status: criteria provided, single submitter. Criteria: Invitae Variant Classification Sherloc (09022015). Collection method: clinical testing. Allele origin: germline.
Comment: This sequence change falls in intron 21 of the SOS1 gene. It does not directly change the encoded amino acid sequence of the SOS1 protein. It affects a nucleotide within the consensus splice site. This variant is present in population databases (rs756201866, gnomAD 0.02%). This variant has not been reported in the literature in individuals affected with SOS1-related conditions. ClinVar contains an entry for this variant (Variation ID: 633001). Variants that disrupt the consensus splice site are a relatively common cause of aberrant splicing (PMID: 17576681, 9536098). Algorithms developed to predict the effect of sequence changes on RNA splicing suggest that this variant may disrupt the consensus splice site. In summary, the available evidence is currently insufficient to determine the role of this variant in disease. Therefore, it has been classified as a Variant of Uncertain Significance.

St. Jude Molecular Pathology, St. Jude Children's Research Hospital
Classification: Uncertain significance for Noonan syndrome 4. Last evaluated: 2023-11-13. Review status: criteria provided, single submitter. Criteria: St. Jude Assertion Criteria 2020. Collection method: clinical testing. Allele origin: germline.
Comment: The SOS1 c.3391+3_3391+6del intronic change results in a deletion of four nucleotides of intron 21 of the SOS1 gene. Algorithms that predict the impact of sequence changes on splicing indicate that this change may impact splicing, but to our knowledge these predictions have not been confirmed by RNA studies. This variant has a maximum subpopulation frequency of 0.02% in gnomAD v2.1.1. To our knowledge, this variant has not been reported in individuals with Noonan syndrome. In summary, the evidence currently available is insufficient to determine the clinical significance of this variant. It has therefore been classified as of uncertain significance.

Ambry Genetics
Classification: Uncertain significance for Cardiovascular phenotype. Last evaluated: 2021-12-17. Review status: criteria provided, single submitter. Criteria: Ambry Variant Classification Scheme 2023. Collection method: clinical testing. Allele origin: germline.
Comment: The c.3391+3_3391+6delTAGT intronic variant, is located 3 nucleotides after coding exon 21 of the SOS1 gene. This variant results from a deletion of 4 nucleotides at positions c.3391+3 to c.3391+6. These nucleotide positions are well conserved in available vertebrate species. In silico splice site analysis predicts that this alteration will weaken the native splice donor site. Since supporting evidence is limited at this time, the clinical significance of this alteration remains unclear.

Women's Health and Genetics/Laboratory Corporation of America, LabCorp
Classification: Uncertain significance. Last evaluated: 2021-04-20. Review status: criteria provided, single submitter. Criteria: LabCorp Variant Classification Summary - May 2015. Collection method: clinical testing. Allele origin: germline.
Comment: Variant summary: SOS1 c.3391+3_3391+6delTAGT alters a conserved nucleotide located close to a canonical splice site and therefore could affect mRNA splicing, leading to a significantly altered protein sequence. Several computational tools predict a significant impact on normal splicing: Two predict the variant abolishes a 5 splicing donor site. One predicts the variant weakens a 5' donor site. However, these predictions have yet to be confirmed by functional studies. The variant allele was found at a frequency of 3.6e-05 in 250474 control chromosomes, predominantly at a frequency of 0.0002 within the Latino subpopulation in the gnomAD database. The available data on variant occurrences in the general population are insufficient to allow any conclusion about variant significance. To our knowledge, no occurrence of c.3391+3_3391+6delTAGT in individuals affected with Noonan Syndrome and Related Conditions and no experimental evidence demonstrating its impact on protein function have been reported. One other ClinVar submitter (evaluation after 2014) cite the variant as uncertain significance. Based on the evidence outlined above, the variant was classified as uncertain significance.

Genome-Nilou Lab
Classification: Uncertain significance for Noonan syndrome 4. Review status: criteria provided, single submitter. Criteria: ACMG Guidelines, 2015. Collection method: clinical testing. Allele origin: germline.

Genome-Nilou Lab
Classification: Uncertain significance for Fibromatosis, gingival, 1. Review status: criteria provided, single submitter. Criteria: ACMG Guidelines, 2015. Collection method: clinical testing. Allele origin: germline.

Literature cited by the submitters: PubMed 17576681 (cited by Labcorp Genetics (formerly Invitae), Labcorp); PubMed 9536098 (cited by Labcorp Genetics (formerly Invitae), Labcorp).